The following is an entry in ClinVar:

NM_199420.4(POLQ):c.4790T>C (p.Val1597Ala)

Gene: POLQ (DNA polymerase theta; minus strand). Cytogenetic location: 3q13.33.
Variant type: single nucleotide variant.
Coding change: c.4790T>C on transcript NM_199420.4 (MANE Select); coding-DNA position 4790, T replaced by C.
Protein change: p.Val1597Ala; replaces valine 1597 with alanine.
Molecular consequence: missense variant.
Genome position (GRCh38, 1-based): chr3:121,488,141, A>G on the plus strand (T>C on the coding strand, the complement: POLQ is on the minus strand). VCF-style: chr3-121488141-A-G. GRCh37 (hg19) VCF-style: chr3-121206988-A-G.
Other names: short protein forms V1597A.
Identifiers: ClinVar variation 3230016 (VCV003230016.1), dbSNP rs779777955, ClinGen allele CA2562844.

ClinVar aggregate classification (germline): Uncertain significance (1 of 4 stars; one submission).

Allele frequency attached by ClinVar (database versions not stated): gnomAD exomes 0.00001; ExAC 0.00002.
gnomAD v4.1: 7 of 1,613,272 alleles (0.00043%); highest among the groups gnomAD compares: Non-Finnish European, 0.00059%; no homozygotes.

Submission:

Ambry Genetics
Classification: Uncertain significance. Last evaluated: 2024-03-09. Review status: criteria provided, single submitter. Criteria: Ambry Variant Classification Scheme 2023. Collection method: clinical testing. Allele origin: germline.
Comment: The p.V1597A variant (also known as c.4790T>C), located in coding exon 16 of the POLQ gene, results from a T to C substitution at nucleotide position 4790. The valine at codon 1597 is replaced by alanine, an amino acid with similar properties. This amino acid position is conserved. In addition, this alteration is predicted to be tolerated by in silico analysis. Based on the available evidence, the clinical significance of this alteration remains unclear.